The following is an entry in ClinVar:

ClinVar aggregate classification (germline): Uncertain significance. Review status: criteria provided, multiple submitters, no conflicts (2 of 4 stars). 2 submissions from 2 submitters: Uncertain significance (2). Last evaluated 2023-05-31.

Conditions:
Marfan syndrome (MFS). Also called: MARFAN SYNDROME, TYPE I; Marfan syndrome type 1; Marfan's syndrome; Marfan syndrome, classic; FBN1-Related Marfan Syndrome. Identifiers: Orphanet 284963, Orphanet 558, MedGen C0024796, MONDO:0007947, OMIM 154700.
Familial thoracic aortic aneurysm and aortic dissection (TAAD). Also called: Thoracic aortic aneurysms and dissections. Identifiers: Orphanet 91387, MedGen C4707243, MONDO:0019625.

Submissions (2):

All of Us Research Program, National Institutes of Health
Classification: Uncertain significance for Marfan syndrome. Last evaluated: 2023-05-31. Review status: criteria provided, single submitter. Criteria: ACMG Guidelines, 2015. Collection method: clinical testing. Allele origin: germline. Inheritance: Autosomal dominant inheritance. Observed: 2 variant alleles, 2 heterozygotes.
Comment: This study involves interpretation of variants in research participants for the purpose of population health screening. Participant phenotype was not available at the time of variant classification. Additional details can be found in publication PMID: 35346344, PMCID: PMC8962531

Labcorp Genetics (formerly Invitae), Labcorp
Classification: Uncertain significance for Marfan syndrome; Familial thoracic aortic aneurysm and aortic dissection. Last evaluated: 2022-06-27. Review status: criteria provided, single submitter. Criteria: Invitae Variant Classification Sherloc (09022015). Collection method: clinical testing. Allele origin: germline.
Comment: Advanced modeling of protein sequence and biophysical properties (such as structural, functional, and spatial information, amino acid conservation, physicochemical variation, residue mobility, and thermodynamic stability) performed at Invitae indicates that this missense variant is expected to disrupt FBN1 protein function. In summary, the available evidence is currently insufficient to determine the role of this variant in disease. Therefore, it has been classified as a Variant of Uncertain Significance. This sequence change replaces proline, which is neutral and non-polar, with serine, which is neutral and polar, at codon 225 of the FBN1 protein (p.Pro225Ser). This variant is not present in population databases (gnomAD no frequency). This missense change has been observed in individual(s) with clinical features of FBN1-related conditions (Invitae).

NM_000138.5(FBN1):c.673C>T (p.Pro225Ser)

Gene: FBN1 (fibrillin 1; minus strand). Cytogenetic location: 15q21.1.
Variant type: single nucleotide variant.
Coding change: c.673C>T on transcript NM_000138.5 (MANE Select); coding-DNA position 673, C replaced by T.
Protein change: p.Pro225Ser; replaces proline 225 with serine.
Molecular consequence: missense variant.
Genome position (GRCh38, 1-based): chr15:48,537,674, G>A on the plus strand (C>T on the coding strand, the complement: FBN1 is on the minus strand). VCF-style: chr15-48537674-G-A. GRCh37 (hg19) VCF-style: chr15-48829871-G-A.
Other names: short protein forms P225S.
Identifiers: ClinVar variation 1520711 (VCV001520711.9), dbSNP rs2044025163, ClinGen allele CA392445910.
Genomic context (GRCh38, chr15:48,537,674, plus strand): 5'-GACAAGCTCCCGTGCGGATATTTGGAATGAAGCCACGGCGGCAGGGGTGAGGCTGGGCAG[G>A]ACACATCTCACAGGGGTGGCCCCAGGCTCGGCCGACTGTGGCACAGCAGAGCGTTTTTGT-3'
Protein context (NP_000129.3, residues 215-235): RAWGHPCEMC[Pro225Ser]AQPHPCRRGF